The following is an entry in ClinVar:

ClinVar aggregate classification (germline): Uncertain significance (1 of 4 stars; one submission).

Allele frequency attached by ClinVar (database versions not stated): gnomAD 0.00001; gnomAD exomes 0.00001; TOPMed 0.00001.
gnomAD v4.1: 6 of 1,613,812 alleles (0.00037%); highest among the groups gnomAD compares: Non-Finnish European, 0.00051%; no homozygotes.

Submission:

Labcorp Genetics (formerly Invitae), Labcorp
Classification: Uncertain significance. Last evaluated: 2023-04-13. Review status: criteria provided, single submitter. Criteria: Invitae Variant Classification Sherloc (09022015). Collection method: clinical testing. Allele origin: germline.
Comment: In summary, the available evidence is currently insufficient to determine the role of this variant in disease. Therefore, it has been classified as a Variant of Uncertain Significance. An algorithm developed to predict the effect of missense changes on protein structure and function (PolyPhen-2) suggests that this variant is likely to be disruptive. This variant has not been reported in the literature in individuals affected with ALPK1-related conditions. This variant is present in population databases (no rsID available, gnomAD 0.0009%). This sequence change replaces isoleucine, which is neutral and non-polar, with asparagine, which is neutral and polar, at codon 1228 of the ALPK1 protein (p.Ile1228Asn).

NM_025144.4(ALPK1):c.3683T>A (p.Ile1228Asn)

Gene: ALPK1 (alpha kinase 1; plus strand). Cytogenetic location: 4q25.
Variant type: single nucleotide variant.
Coding change: c.3683T>A on transcript NM_025144.4 (MANE Select); coding-DNA position 3683, T replaced by A.
Protein change: p.Ile1228Asn; replaces isoleucine 1228 with asparagine.
Molecular consequence: missense variant.
Genome position (GRCh38, 1-based): chr4:112,441,061, T>A. VCF-style: chr4-112441061-T-A. GRCh37 (hg19) VCF-style: chr4-113362217-T-A.
Other names: c.3683T>A, p.Ile1228Asn (NM_001102406.2); c.3449T>A, p.Ile1150Asn (NM_001253884.2); short protein forms I1150N, I1228N.
Identifiers: ClinVar variation 2784018 (VCV002784018.3), dbSNP rs989254080, ClinGen allele CA103771074.